The following is an entry in ClinVar:

NM_001386298.1(CIC):c.6915C>A (p.Asn2305Lys)

Gene: CIC (capicua transcriptional repressor; plus strand). Cytogenetic location: 19q13.2.
Variant type: single nucleotide variant.
Coding change: c.6915C>A on transcript NM_001386298.1 (MANE Select); coding-DNA position 6915, C replaced by A.
Protein change: p.Asn2305Lys; replaces asparagine 2305 with lysine.
Molecular consequence: missense variant.
Genome position (GRCh38, 1-based): chr19:42,294,082, C>A. VCF-style: chr19-42294082-C-A. GRCh37 (hg19) VCF-style: chr19-42798234-C-A.
Other names: c.6915C>A, p.Asn2305Lys (NM_001304815.2); c.6912C>A, p.Asn2304Lys (NM_001379480.1, NM_001379482.1, NM_001379483.1); c.4188C>A, p.Asn1396Lys (NM_001379484.1, NM_015125.5); c.4185C>A, p.Asn1395Lys (NM_001379485.1); short protein forms N1395K, N1396K, N2304K, N2305K.
Identifiers: ClinVar variation 2430370 (VCV002430370.2), dbSNP rs1241495908, ClinGen allele CA406121177.

ClinVar aggregate classification (germline): Uncertain significance (1 of 4 stars; one submission).

gnomAD v4.1: 7 of 1,613,526 alleles (0.00043%); highest among the groups gnomAD compares: Non-Finnish European, 0.000085%; no homozygotes.

Submission:

Centre of Medical Genetics, University Hospital Muenster
Classification: Uncertain significance. Last evaluated: 2023-01-03. Review status: criteria provided, single submitter. Criteria: ACMG Guidelines, 2015. Collection method: clinical testing. Allele origin: unknown. Affected: yes. Observed: 1 variant allele, 1 heterozygote.
Comment: ACMG categories: PM2,PP3